The following is an entry in ClinVar:

NM_001162501.2(TNRC6B):c.1779C>T (p.Tyr593=)

Gene: TNRC6B (trinucleotide repeat containing adaptor 6B; plus strand). Cytogenetic location: 22q13.1.
Variant type: single nucleotide variant.
Coding change: c.1779C>T on transcript NM_001162501.2 (MANE Select); coding-DNA position 1779, C replaced by T.
Protein change: p.Tyr593=; no amino-acid change (tyrosine 593 retained).
Molecular consequence: synonymous variant. On other transcripts: intron variant (1).
Genome position (GRCh38, 1-based): chr22:40,266,009, C>T. VCF-style: chr22-40266009-C-T. GRCh37 (hg19) VCF-style: chr22-40662013-C-T.
Other names: c.1779C>T, p.Tyr593= (NM_015088.3); c.565+3836C>T (NM_001024843.2).
Identifiers: ClinVar variation 2653175 (VCV002653175.24), dbSNP rs189799786, ClinGen allele CA10246745.
Genomic context (GRCh38, chr22:40,266,009, plus strand): 5'-CACTGGAAGCAACCACAAAGCAGGAAGTAGTGACAGTCATAACTCTGGCCGTCGGTCGTA[C>T]AGGCCCACACATCCTGATTGTCAGGCTGTCTTGCAGACTCTTTTGAGCCGAACTGATTTG-3'
Protein context (NP_001155973.1, residues 583-603): SDSHNSGRRS[Tyr593=]RPTHPDCQAV

ClinVar aggregate classification (germline): Likely benign (1 of 4 stars; one submission).

Allele frequency attached by ClinVar (database versions not stated): ExAC 0.00012; 1000 Genomes Project 0.00020; gnomAD exomes 0.00028; ESP Exome Variant Server 0.00032; gnomAD 0.00047; TOPMed 0.00062; 1000 Genomes Project 30x 0.00078.
gnomAD v4.1: 487 of 1,613,830 alleles (0.03%); highest among the groups gnomAD compares: Admixed American, 0.083%; no homozygotes.

Submission:

CeGaT Center for Human Genetics Tuebingen
Classification: Likely benign. Last evaluated: 2023-06-01. Review status: criteria provided, single submitter. Criteria: CeGaT Center For Human Genetics Tuebingen Variant Classification Criteria Version 2. Collection method: clinical testing. Allele origin: germline. Affected: yes. Observed: 1 variant allele.
Comment: TNRC6B: BP4, BP7